The following is an entry in ClinVar:

ClinVar aggregate classification (germline): Uncertain significance. Review status: criteria provided, single submitter (1 of 4 stars). 2 submissions from 2 submitters: Uncertain significance (1). 1 of the submissions does not count toward it. Last evaluated 2025-05-01.

Conditions:
PLXNA2-related disorder. Also called: PLXNA2-related condition.

Allele frequency attached by ClinVar (database versions not stated): TOPMed below 0.00001; ExAC 0.00001; gnomAD exomes 0.00001; gnomAD 0.00001; ESP Exome Variant Server 0.00008.
gnomAD v4.1: 12 of 1,614,012 alleles (0.00074%); highest among the groups gnomAD compares: African/African-American, 0.0013%; no homozygotes.

Submissions (2):

Ambry Genetics
Classification: Uncertain significance. Last evaluated: 2025-05-01. Review status: criteria provided, single submitter. Criteria: Ambry Variant Classification Scheme 2023. Collection method: clinical testing. Allele origin: germline.

PreventionGenetics, part of Exact Sciences
Classification: Uncertain significance for PLXNA2-related condition. Last evaluated: 2024-08-06. Review status: no assertion criteria provided. Collection method: clinical testing. Allele origin: germline. Not counted in ClinVar's aggregate classification.
Comment: The PLXNA2 c.523T>C variant is predicted to result in the amino acid substitution p.Ser175Pro. To our knowledge, this variant has not been reported in the literature or in a large population database, indicating this variant is rare. At this time, the clinical significance of this variant is uncertain due to the absence of conclusive functional and genetic evidence.

NM_025179.4(PLXNA2):c.523T>C (p.Ser175Pro)

Gene: PLXNA2 (plexin A2; minus strand). Cytogenetic location: 1q32.2.
Variant type: single nucleotide variant.
Coding change: c.523T>C on transcript NM_025179.4 (MANE Select); coding-DNA position 523, T replaced by C.
Protein change: p.Ser175Pro; replaces serine 175 with proline.
Molecular consequence: missense variant.
Genome position (GRCh38, 1-based): chr1:208,217,400, A>G on the plus strand (T>C on the coding strand, the complement: PLXNA2 is on the minus strand). VCF-style: chr1-208217400-A-G. GRCh37 (hg19) VCF-style: chr1-208390745-A-G.
Other names: short protein forms S175P.
Identifiers: ClinVar variation 2214609 (VCV002214609.4), dbSNP rs139661983, ClinGen allele CA1374059.